The following is an entry in ClinVar:

ClinVar aggregate classification (germline): Uncertain significance (1 of 4 stars; one submission).

Conditions:
Aortic aneurysm, familial thoracic 6 (AAT6). Also called: FAMILIAL THORACIC AORTIC ANEURYSM WITH LIVEDO RETICULARIS AND IRIS FLOCCULI. Identifiers: MedGen C2673186, MONDO:0012730, OMIM 611788.

Allele frequency attached by ClinVar (database versions not stated): gnomAD exomes below 0.00001.

Submission:

Labcorp Genetics (formerly Invitae), Labcorp
Classification: Uncertain significance for Aortic aneurysm, familial thoracic 6. Last evaluated: 2022-10-08. Review status: criteria provided, single submitter. Criteria: Invitae Variant Classification Sherloc (09022015). Collection method: clinical testing. Allele origin: germline.
Comment: In summary, the available evidence is currently insufficient to determine the role of this variant in disease. Therefore, it has been classified as a Variant of Uncertain Significance. Advanced modeling of protein sequence and biophysical properties (such as structural, functional, and spatial information, amino acid conservation, physicochemical variation, residue mobility, and thermodynamic stability) performed at Invitae indicates that this missense variant is expected to disrupt ACTA2 protein function. This variant has not been reported in the literature in individuals affected with ACTA2-related conditions. This variant is present in population databases (no rsID available, gnomAD 0.0009%). This sequence change replaces cysteine, which is neutral and slightly polar, with tyrosine, which is neutral and polar, at codon 287 of the ACTA2 protein (p.Cys287Tyr).

NM_001613.4(ACTA2):c.860G>A (p.Cys287Tyr)

Genes: ACTA2 (actin alpha 2, smooth muscle; minus strand), ACTA2-AS1 (ACTA2 antisense RNA 1; plus strand). Cytogenetic location: 10q23.31.
Variant type: single nucleotide variant.
Coding change: c.860G>A on transcript NM_001613.4 (MANE Select); coding-DNA position 860, G replaced by A.
Protein change: p.Cys287Tyr; replaces cysteine 287 with tyrosine.
Molecular consequence: missense variant.
Genome position (GRCh38, 1-based): chr10:88,938,191, C>T on the plus strand (G>A on the coding strand, the complement: ACTA2 is on the minus strand). VCF-style: chr10-88938191-C-T. GRCh37 (hg19) VCF-style: chr10-90697948-C-T.
Other names: c.860G>A, p.Cys287Tyr (NM_001141945.3, NM_001320855.2, NM_001406462.1 and 2 more transcripts); c.749G>A, p.Cys250Tyr (NM_001406466.1); c.731G>A, p.Cys244Tyr (NM_001406467.1, NM_001406468.1, NM_001406469.1); c.668G>A, p.Cys223Tyr (NM_001406471.1); short protein forms C223Y, C287Y, C244Y, C250Y.
Identifiers: ClinVar variation 1983580 (VCV001983580.4), dbSNP rs1485951839, ClinGen allele CA377510929.